The following is an entry in ClinVar:

ClinVar aggregate classification (germline): Uncertain significance (1 of 4 stars; one submission).

Allele frequency attached by ClinVar (database versions not stated): gnomAD exomes below 0.00001; TOPMed below 0.00001.
gnomAD v4.1: 1 of 1,613,824 alleles (0.000062%); highest among the groups gnomAD compares: Non-Finnish European, 0.000085%; no homozygotes.

Submission:

Labcorp Genetics (formerly Invitae), Labcorp
Classification: Uncertain significance. Last evaluated: 2021-07-18. Review status: criteria provided, single submitter. Criteria: Invitae Variant Classification Sherloc (09022015). Collection method: clinical testing. Allele origin: germline.
Comment: This sequence change replaces alanine with threonine at codon 249 of the ITGAM protein (p.Ala249Thr). The alanine residue is moderately conserved and there is a small physicochemical difference between alanine and threonine. This variant is not present in population databases (ExAC no frequency). This variant has not been reported in the literature in individuals affected with ITGAM-related conditions. Algorithms developed to predict the effect of missense changes on protein structure and function (SIFT, PolyPhen-2, Align-GVGD) all suggest that this variant is likely to be disruptive. In summary, the available evidence is currently insufficient to determine the role of this variant in disease. Therefore, it has been classified as a Variant of Uncertain Significance.

NM_000632.4(ITGAM):c.745G>A (p.Ala249Thr)

Genes: ITGAM (integrin subunit alpha M; plus strand), LOC126862332 (BRD4-independent group 4 enhancer GRCh37_chr16:31284654-31285853; plus strand). Cytogenetic location: 16p11.2.
Variant type: single nucleotide variant.
Coding change: c.745G>A on transcript NM_000632.4 (MANE Select); coding-DNA position 745, G replaced by A.
Protein change: p.Ala249Thr; replaces alanine 249 with threonine.
Molecular consequence: missense variant.
Genome position (GRCh38, 1-based): chr16:31,273,405, G>A. VCF-style: chr16-31273405-G-A. GRCh37 (hg19) VCF-style: chr16-31284726-G-A.
Other names: c.745G>A, p.Ala249Thr (NM_001145808.2); short protein forms A249T.
Identifiers: ClinVar variation 1406355 (VCV001406355.8), dbSNP rs2079873239, ClinGen allele CA395694143.
Genomic context (GRCh38, chr16:31,273,405, plus strand): 5'-CCCTCCTGTTTCCTGCACAGACGAGAGCTGTTTAACATCACCAACGGAGCCCGAAAGAAT[G>A]CCTTTAAGATCCTAGTTGTCATCACGGATGGAGAAAAGTTTGGCGATCCCTTGGGATATG-3'
Protein context (NP_000623.2, residues 239-259): FNITNGARKN[Ala249Thr]FKILVVITDG